The following is an entry in ClinVar:

NM_175914.5(HNF4A):c.881A>C (p.Gln294Pro)

Gene: HNF4A (hepatocyte nuclear factor 4 alpha; plus strand). Cytogenetic location: 20q13.12.
Variant type: single nucleotide variant.
Coding change: c.881A>C on transcript NM_175914.5 (MANE Select); coding-DNA position 881, A replaced by C.
Protein change: p.Gln294Pro; replaces glutamine 294 with proline.
Molecular consequence: missense variant.
Genome position (GRCh38, 1-based): chr20:44,424,072, A>C. VCF-style: chr20-44424072-A-C. GRCh37 (hg19) VCF-style: chr20-43052712-A-C.
Other names: NM_175914.5:c.881A>C; c.947A>C, p.Gln316Pro (NM_000457.6, NM_178849.3, NM_178850.3); c.881A>C, p.Gln294Pro (NM_001030003.3, NM_001030004.3); c.926A>C, p.Gln309Pro (NM_001258355.2); c.872A>C, p.Gln291Pro (NM_001287182.2, NM_001287183.2, NM_001287184.2); short protein forms Q291P, Q294P, Q309P, Q316P.
Identifiers: ClinVar variation 3901830 (VCV003901830.1).

ClinVar aggregate classification (germline): Uncertain significance (3 of 4 stars; one submission).

Conditions:
Monogenic diabetes. Identifiers: Orphanet 183625, MedGen C3888631, MONDO:0015967.

Submission:

ClinGen Monogenic Diabetes Variant Curation Expert Panel
Classification: Uncertain significance for Monogenic diabetes. Last evaluated: 2025-04-07. Review status: reviewed by expert panel. Criteria: ClinGen Diabetes ACMG Specifications HNF4A V2.0.0. Collection method: curation. Allele origin: germline. Inheritance: Autosomal dominant inheritance.
Comment: The c.881A>C variant in the hepatocyte nuclear factor 4-alpha gene, HNF4A, causes an amino acid change of glutamine to proline at codon 294 (p.(Gln294Pro)) of NM_175914.5. This variant is absent from gnomAD v2.1.1 and v.4.1 (PM2_Supporting). This variant is predicted to be deleterious by computational evidence, with a REVEL score of 0.967, which is greater than the MDEP VCEP threshold of 0.70 (PP3). Additionally, it was identified in an individual with a clinical history highly specific for HNF4A-monogenic diabetes (MODY probability calculator result >50%, negative genetic testing for HNF1A, and SU sensitive) (PP4_Moderate; internal lab contributors). In summary, c.881A>C meets the criteria to be classified as a variant of uncertain significance for monogenic diabetes. ACMG/AMP criteria applied, as specified by the ClinGen MDEP (specification version 2.0.0, approved 10/11/2023): PP4_Moderate, PM2_Supporting, PP3.